The following is an entry in ClinVar:

ClinVar aggregate classification (germline): Conflicting classifications of pathogenicity. Review status: criteria provided, conflicting classifications (1 of 4 stars). 6 submissions from 6 submitters: Uncertain significance (5); Likely benign (1). Last evaluated 2026-03-16.

Conditions:
Cardiomyopathy (CMYO). Also called: Cardiomyopathies. Identifiers: Orphanet 167848, MedGen C0878544, MONDO:0004994, HP:0001638. Inheritance: Various modes of inheritance.
TTN-related disorder. Also called: TTN-related disorders; TTN-related condition; TTN-related disease.

Allele frequency attached by ClinVar (database versions not stated): gnomAD exomes 0.00002 and 0.00003; TOPMed 0.00003; ExAC 0.00005; gnomAD 0.00005.
gnomAD v4.1: 39 of 1,613,864 alleles (0.0024%); highest among the groups gnomAD compares: Middle Eastern, 0.016%; no homozygotes.

Submissions (6):

PreventionGenetics, part of Exact Sciences
Classification: Uncertain significance for TTN-related condition. Last evaluated: 2026-03-16. Review status: criteria provided, single submitter. Criteria: ACMG Guidelines, 2015. Collection method: clinical testing. Allele origin: germline.
Comment: The TTN c.105424G>A variant is predicted to result in the amino acid substitution p.Glu35142Lys. To our knowledge, this variant has not been reported in the literature. This variant is reported in 0.0065% of alleles in individuals of South Asian descent in gnomAD. At this time, the clinical significance of this variant is uncertain due to the absence of conclusive functional and genetic evidence.

Revvity Omics, Revvity
Classification: Uncertain significance. Last evaluated: 2025-03-06. Review status: criteria provided, single submitter. Criteria: ACMG Guidelines, 2015. Collection method: clinical testing. Allele origin: germline.

Women's Health and Genetics/Laboratory Corporation of America, LabCorp
Classification: Uncertain significance. Last evaluated: 2023-12-17. Review status: criteria provided, single submitter. Criteria: LabCorp Variant Classification Summary - May 2015. Collection method: clinical testing. Allele origin: germline.

Mayo Clinic Laboratories, Mayo Clinic
Classification: Uncertain significance. Last evaluated: 2021-04-30. Review status: criteria provided, single submitter. Criteria: ACMG Guidelines, 2015. Collection method: clinical testing. Allele origin: germline.

GeneDx
Classification: Likely benign. Last evaluated: 2020-02-20. Review status: criteria provided, single submitter. Criteria: GeneDx Variant Classification Process June 2021. Collection method: clinical testing. Allele origin: germline. Affected: yes.

CHEO Genetics Diagnostic Laboratory, Children's Hospital of Eastern Ontario
Classification: Uncertain significance for Cardiomyopathy. Last evaluated: 2019-07-05. Review status: criteria provided, single submitter. Criteria: ACMG Guidelines, 2015. Collection method: clinical testing. Allele origin: germline.

NM_001267550.2(TTN):c.105424G>A (p.Glu35142Lys)

Genes: TTN (titin; minus strand), TTN-AS1 (TTN antisense RNA 1; plus strand). Cytogenetic location: 2q31.2.
Variant type: single nucleotide variant.
Coding change: c.105424G>A on transcript NM_001267550.2 (MANE Select); coding-DNA position 105424, G replaced by A.
Protein change: p.Glu35142Lys; replaces glutamic acid 35142 with lysine.
Molecular consequence: missense variant.
Genome position (GRCh38, 1-based): chr2:178,531,191, C>T on the plus strand (G>A on the coding strand, the complement: TTN is on the minus strand). VCF-style: chr2-178531191-C-T. GRCh37 (hg19) VCF-style: chr2-179395918-C-T.
Other names: p.Glu33501Lys; c.100501G>A, p.Glu33501Lys (NM_001256850.1); c.78229G>A, p.Glu26077Lys (NM_003319.4); c.97720G>A, p.Glu32574Lys (NM_133378.4); c.78604G>A, p.Glu26202Lys (NM_133432.3); c.78805G>A, p.Glu26269Lys (NM_133437.4); short protein forms E26077K, E26269K, E35142K, E26202K, E32574K, E33501K.
Identifiers: ClinVar variation 669807 (VCV000669807.24), dbSNP rs765274398, ClinGen allele CA1985262.